The following is an entry in ClinVar:

ClinVar aggregate classification (germline): Conflicting classifications of pathogenicity. Review status: criteria provided, conflicting classifications (1 of 4 stars). 3 submissions from 3 submitters: Uncertain significance (2); Likely benign (1). Last evaluated 2026-08-25.

Conditions:
Autosomal dominant optic atrophy classic form (OPA1). Also called: KJER-TYPE OPTIC ATROPHY; OPTIC ATROPHY, JUVENILE; Optic Atrophy Type 1. Identifiers: Orphanet 98673, MedGen C0338508, MONDO:0008134, OMIM 165500.

Allele frequency attached by ClinVar (database versions not stated): ExAC 0.00003; gnomAD exomes 0.00002; TOPMed 0.00003; gnomAD 0.00001.
gnomAD v4.1: 31 of 1,613,688 alleles (0.0019%); highest among the groups gnomAD compares: Middle Eastern, 0.016%; no homozygotes.

Submissions (3):

GeneDx
Classification: Uncertain significance. Last evaluated: 2026-08-25. Review status: criteria provided, single submitter. Criteria: GeneDx Variant Classification Process June 2021. Collection method: clinical testing. Allele origin: germline.
Comment: In silico analysis suggests that this missense variant does not alter protein structure/function; Has not been previously published as pathogenic or benign to our knowledge

Labcorp Genetics (formerly Invitae), Labcorp
Classification: Likely benign. Last evaluated: 2025-10-12. Review status: criteria provided, single submitter. Criteria: Invitae Variant Classification Sherloc (09022015). Collection method: clinical testing. Allele origin: germline.

Illumina Laboratory Services, Illumina
Classification: Uncertain significance for Autosomal dominant optic atrophy classic form. Last evaluated: 2020-04-14. Review status: criteria provided, single submitter. Criteria: ICSLVariantClassificationCriteria RUGD 01 April 2020. Collection method: clinical testing. Allele origin: unknown.
Comment: The OPA1 c.212G>A (p.(Arg71His) missense variant has not, to our knowledge, been reported in the peer-reviewed literature. This variant is reported at a frequency of 0.000040 in the European (non-Finnish) population of the Genome Aggregation Database (version 2.1.1). Multiple lines of computational evidence suggest the variant may not impact the gene or gene product. Based on the evidence, the c.212G>A (p.(Arg71His) variant is classified as a variant of uncertain significance for autosomal dominant optic atrophy.

NM_130837.3(OPA1):c.212G>A (p.Arg71His)

Gene: OPA1 (OPA1 mitochondrial dynamin like GTPase; plus strand). Cytogenetic location: 3q29.
Variant type: single nucleotide variant.
Coding change: c.212G>A on transcript NM_130837.3 (MANE Select); coding-DNA position 212, G replaced by A.
Protein change: p.Arg71His; replaces arginine 71 with histidine.
Molecular consequence: missense variant. On other transcripts: 5 prime UTR variant (2).
Genome position (GRCh38, 1-based): chr3:193,614,902, G>A. VCF-style: chr3-193614902-G-A. GRCh37 (hg19) VCF-style: chr3-193332691-G-A.
Other names: c.-161G>A (NM_001354663.2, NM_001354664.2); c.212G>A, p.Arg71His (NM_015560.3, NM_130831.3, NM_130832.3 and 4 more transcripts); short protein forms R71H.
Identifiers: ClinVar variation 214921 (VCV000214921.11), dbSNP rs766106312, ClinGen allele CA325258.